The following is an entry in ClinVar:

NM_000350.3(ABCA4):c.4743C>G (p.Ser1581Arg)

Genes: ABCA4 (ATP binding cassette subfamily A member 4; minus strand), LOC126805793 (CDK7 strongly-dependent group 2 enhancer GRCh37_chr1:94486302-94487501; plus strand). Cytogenetic location: 1p22.1.
Variant type: single nucleotide variant.
Coding change: c.4743C>G on transcript NM_000350.3 (MANE Select); coding-DNA position 4743, C replaced by G.
Protein change: p.Ser1581Arg; replaces serine 1581 with arginine.
Molecular consequence: missense variant.
Genome position (GRCh38, 1-based): chr1:94,021,876, G>C on the plus strand (C>G on the coding strand, the complement: ABCA4 is on the minus strand). VCF-style: chr1-94021876-G-C. GRCh37 (hg19) VCF-style: chr1-94487432-G-C.
Other names: c.4521C>G, p.Ser1507Arg (NM_001425324.1); short protein forms S1581R, S1507R.
Identifiers: ClinVar variation 1308404 (VCV001308404.3), dbSNP rs539124923, ClinGen allele CA341283857.

ClinVar aggregate classification (germline): Uncertain significance. Review status: criteria provided, multiple submitters, no conflicts (2 of 4 stars). 2 submissions from 2 submitters: Uncertain significance (2). Last evaluated 2025-04-01.

Conditions:
Inborn genetic diseases. Identifiers: MedGen C0950123, MeSH D030342.

gnomAD v4.1: 3 of 1,614,096 alleles (0.00019%); highest among the groups gnomAD compares: Non-Finnish European, 0.00025%; no homozygotes.

Submissions (2):

Ambry Genetics
Classification: Uncertain significance for Inborn genetic diseases. Last evaluated: 2025-04-01. Review status: criteria provided, single submitter. Criteria: Ambry Variant Classification Scheme 2023. Collection method: clinical testing. Allele origin: germline.

GeneDx
Classification: Uncertain significance. Last evaluated: 2019-04-04. Review status: criteria provided, single submitter. Criteria: GeneDx Variant Classification Process June 2021. Collection method: clinical testing. Allele origin: germline. Affected: yes.
Comment: Not observed at a significant frequency in large population cohorts (Lek et al., 2016); In silico analysis, which includes protein predictors and evolutionary conservation, supports that this variant does not alter protein structure/function; Has not been previously published as pathogenic or benign to our knowledge